The following is an entry in ClinVar:

ClinVar aggregate classification (germline): Uncertain significance (1 of 4 stars; one submission).

Conditions:
Hereditary breast ovarian cancer syndrome. Also called: BRCA1- and BRCA2-Associated Hereditary Breast and Ovarian Cancer; Hereditary breast and ovarian cancer; Hereditary breast and ovarian cancer syndrome (HBOC); Hereditary breast and/or ovarian cancer syndrome; Hereditary breast and ovarian cancer syndrome; Breast and ovarian cancer. Identifiers: Orphanet 145, MedGen C0677776, MeSH D061325, MONDO:0003582. Disease mechanism: loss of function.

Submission:

Labcorp Genetics (formerly Invitae), Labcorp
Classification: Uncertain significance for Hereditary breast ovarian cancer syndrome. Last evaluated: 2023-04-25. Review status: criteria provided, single submitter. Criteria: Invitae Variant Classification Sherloc (09022015). Collection method: clinical testing. Allele origin: germline.
Comment: In summary, the available evidence is currently insufficient to determine the role of this variant in disease. Therefore, it has been classified as a Variant of Uncertain Significance. Advanced modeling of protein sequence and biophysical properties (such as structural, functional, and spatial information, amino acid conservation, physicochemical variation, residue mobility, and thermodynamic stability) performed at Invitae indicates that this missense variant is not expected to disrupt BRCA1 protein function. This missense change has been observed in individual(s) with breast cancer (PMID: 30287823). This variant is not present in population databases (gnomAD no frequency). This sequence change replaces aspartic acid, which is acidic and polar, with valine, which is neutral and non-polar, at codon 1151 of the BRCA1 protein (p.Asp1151Val).

Literature cited by the submitters: PubMed 30287823.

NM_007294.4(BRCA1):c.3452A>T (p.Asp1151Val)

Genes: BRCA1 (BRCA1 DNA repair associated; minus strand), LOC126862571 (BRD4-independent group 4 enhancer GRCh37_chr17:41243136-41244335; plus strand). Cytogenetic location: 17q21.31.
Variant type: single nucleotide variant.
Coding change: c.3452A>T on transcript NM_007294.4 (MANE Select); coding-DNA position 3452, A replaced by T.
Protein change: p.Asp1151Val; replaces aspartic acid 1151 with valine.
Molecular consequence: missense variant. On other transcripts: intron variant (135).
Genome position (GRCh38, 1-based): chr17:43,092,079, T>A on the plus strand (A>T on the coding strand, the complement: BRCA1 is on the minus strand). VCF-style: chr17-43092079-T-A. GRCh37 (hg19) VCF-style: chr17-41244096-T-A.
Other names: c.665-1047A>T (NM_001408440.1, NM_001408428.1, NM_001408441.1 and 12 more transcripts); c.671-1047A>T (NM_001408418.1, NM_001408423.1, NM_001408420.1 and 2 more transcripts); c.788-1047A>T (NM_001407981.1, NM_007298.4, NM_001407978.1 and 17 more transcripts); c.644-1047A>T (NM_001408462.1, NM_001408470.1, NM_001408464.1 and 3 more transcripts); c.710-1047A>T (NM_001408414.1, NM_001408411.1, NM_001408415.1 and 2 more transcripts); c.578-1047A>T (NM_001408514.1, NM_001408485.1, NM_001408483.1 and 9 more transcripts); c.662-1047A>T (NM_001408447.1, NM_001408433.1, NM_001408446.1 and 6 more transcripts); c.785-1047A>T (NM_001408400.1, NM_001408392.1, NM_001407986.1 and 13 more transcripts); and 41 more; short protein forms D1023V, D1109V, D1124V, D1151V, D283V, D1062V, D1080V, D1125V.
Identifiers: ClinVar variation 2915512 (VCV002915512.3), dbSNP rs1419874153, ClinGen allele CA10595079.
Genomic context (GRCh38, chr17:43,092,079, plus strand): 5'-TTAATGTCATTTTCAGCAAAACTAGTATCTTCCTTTATTTCACCATCATCTAACAGGTCA[T>A]CAGGTGTCTCAGAACAAACCTGAGATGCATGACTACTTCCCATAGGCTGTTCTAAGTTAT-3'
Protein context (NP_009225.1, residues 1141-1161): HASQVCSETP[Asp1151Val]DLLDDGEIKE